The following is an entry in ClinVar:

NM_001267550.2(TTN):c.41329+2T>G

Gene: TTN (titin; minus strand). Cytogenetic location: 2q31.2.
Variant type: single nucleotide variant.
Coding change: c.41329+2T>G on transcript NM_001267550.2 (MANE Select); the canonical splice donor site of the intron after coding-DNA position 41329, T replaced by G.
Molecular consequence: splice donor variant.
Genome position (GRCh38, 1-based): chr2:178,636,396, A>C on the plus strand (T>G on the coding strand, the complement: TTN is on the minus strand). VCF-style: chr2-178636396-A-C. GRCh37 (hg19) VCF-style: chr2-179501123-A-C.
Other names: c.14134+2T>G (NM_003319.4); c.14710+2T>G (NM_133437.4); c.14509+2T>G (NM_133432.3); c.33625+2T>G (NM_133378.4); c.36406+2T>G (NM_001256850.1).
Identifiers: ClinVar variation 500622 (VCV000500622.12), dbSNP rs1553747489, ClinGen allele CA349660604.

ClinVar aggregate classification (germline): Conflicting classifications of pathogenicity. Review status: criteria provided, conflicting classifications (1 of 4 stars). 3 submissions from 3 submitters: Pathogenic (1); Uncertain significance (2). Last evaluated 2026-06-25.

Conditions:
Autosomal recessive limb-girdle muscular dystrophy type 2J (LGMDR10). Also called: Limb-girdle muscular dystrophy, type 2J; MUSCULAR DYSTROPHY, LIMB-GIRDLE, AUTOSOMAL RECESSIVE 10. Identifiers: Orphanet 140922, MedGen C1837342, MONDO:0012127, OMIM 608807.
Dilated cardiomyopathy 1G (CMD1G). Identifiers: Orphanet 154, MedGen C1858763, MONDO:0011400, OMIM 604145.
Cardiovascular phenotype. Identifiers: MedGen CN230736.

Submissions (3):

Ambry Genetics
Classification: Uncertain significance for Cardiovascular phenotype. Last evaluated: 2026-06-25. Review status: criteria provided, single submitter. Criteria: Ambry Variant Classification Scheme 2023. Collection method: clinical testing. Allele origin: germline.
Comment: The c.14134+2T>G intronic variant results from a T to G substitution two nucleotides after coding exon 52 in the TTN gene. Exon 52 is located in the I-band region of the N2-B isoform of the titin protein and is constitutively expressed in TTN transcripts (percent spliced in or PSI 100%). This nucleotide position is highly conserved in available vertebrate species. In silico splice site analysis predicts that this alteration will weaken the native splice donor site. This alteration disrupts the canonical splice site and is expected to cause aberrant splicing. However, although direct evidence is unavailable, this alteration is predicted to result in an in-frame transcript that is not expected to trigger nonsense-mediated mRNA decay. The exact functional effect of the predicted splice impact is unknown. Since supporting evidence is limited at this time, the clinical significance of this alteration remains unclear.

Labcorp Genetics (formerly Invitae), Labcorp
Classification: Pathogenic for Dilated cardiomyopathy 1G; Autosomal recessive limb-girdle muscular dystrophy type 2J. Last evaluated: 2026-01-05. Review status: criteria provided, single submitter. Criteria: Invitae Variant Classification Sherloc (09022015). Collection method: clinical testing. Allele origin: germline.
Comment: This sequence change affects a donor splice site in intron 225 of the TTN gene. It is expected to disrupt RNA splicing and likely results in a truncated or disrupted TTN protein. This variant is not present in population databases (gnomAD no frequency). Disruption of this splice site has been observed in individuals with autosomal dominant dilated cardiomyopathy (internal data). ClinVar contains an entry for this variant (Variation ID: 500622). Algorithms developed to predict the effect of sequence changes on RNA splicing suggest that this variant may disrupt the consensus splice site. This variant is located in the I band of TTN (PMID: 25589632). Truncating variants in this region have been reported in individuals affected with autosomal recessive centronuclear myopathy (PMID: 23975875, internal data). Truncating variants in this region have also been identified in individuals affected with autosomal dominant dilated cardiomyopathy and/or cardio-related conditions (PMID: 27869827, 32964742, internal data). For these reasons, this variant has been classified as Pathogenic.

Eurofins Ntd Llc (ga)
Classification: Uncertain significance. Last evaluated: 2017-02-28. Review status: criteria provided, single submitter. Criteria: EGL Classification Definitions 2015. Collection method: clinical testing. Allele origin: germline. Observed: 1 variant allele, 1 heterozygote.

Literature cited by the submitters: PubMed 25589632 (cited by Labcorp Genetics (formerly Invitae), Labcorp); PubMed 23975875 (cited by Labcorp Genetics (formerly Invitae), Labcorp); PubMed 27869827 (cited by Labcorp Genetics (formerly Invitae), Labcorp); PubMed 32964742 (cited by Labcorp Genetics (formerly Invitae), Labcorp).